The following is an entry in ClinVar:

ClinVar aggregate classification (germline): Uncertain significance. Review status: criteria provided, multiple submitters, no conflicts (2 of 4 stars). 2 submissions from 2 submitters: Uncertain significance (2). Last evaluated 2025-08-14.

Conditions:
Mitochondrial hypertrophic cardiomyopathy with lactic acidosis due to MTO1 deficiency. Also called: CARDIOMYOPATHY, INFANTILE HYPERTROPHIC MITOCHONDRIAL, AND LACTIC ACIDOSIS; Combined oxidative phosphorylation deficiency 10. Identifiers: Orphanet 314637, MedGen C4749921, MONDO:0013865, OMIM 614702.
Inborn genetic diseases. Identifiers: MedGen C0950123, MeSH D030342.

Allele frequency attached by ClinVar (database versions not stated): gnomAD exomes below 0.00001; gnomAD 0.00001; TOPMed 0.00001.
gnomAD v4.1: 6 of 1,613,848 alleles (0.00037%); highest among the groups gnomAD compares: Middle Eastern, 0.016%; no homozygotes.

Submissions (2):

Ambry Genetics
Classification: Uncertain significance for Inborn genetic diseases. Last evaluated: 2025-08-14. Review status: criteria provided, single submitter. Criteria: Ambry Variant Classification Scheme 2023. Collection method: clinical testing. Allele origin: germline.

Labcorp Genetics (formerly Invitae), Labcorp
Classification: Uncertain significance for Mitochondrial hypertrophic cardiomyopathy with lactic acidosis due to MTO1 deficiency. Last evaluated: 2023-04-26. Review status: criteria provided, single submitter. Criteria: Invitae Variant Classification Sherloc (09022015). Collection method: clinical testing. Allele origin: germline.
Comment: In summary, the available evidence is currently insufficient to determine the role of this variant in disease. Therefore, it has been classified as a Variant of Uncertain Significance. Advanced modeling of protein sequence and biophysical properties (such as structural, functional, and spatial information, amino acid conservation, physicochemical variation, residue mobility, and thermodynamic stability) performed at Invitae indicates that this missense variant is not expected to disrupt MTO1 protein function. This variant has not been reported in the literature in individuals affected with MTO1-related conditions. This variant is present in population databases (no rsID available, gnomAD 0.0009%). This sequence change replaces glutamine, which is neutral and polar, with glutamic acid, which is acidic and polar, at codon 400 of the MTO1 protein (p.Gln400Glu).

NM_012123.4(MTO1):c.1198C>G (p.Gln400Glu)

Gene: MTO1 (mitochondrial tRNA translation optimization 1; plus strand). Cytogenetic location: 6q13.
Variant type: single nucleotide variant.
Coding change: c.1198C>G on transcript NM_012123.4 (MANE Select); coding-DNA position 1198, C replaced by G.
Protein change: p.Gln400Glu; replaces glutamine 400 with glutamic acid.
Molecular consequence: missense variant.
Genome position (GRCh38, 1-based): chr6:73,480,743, C>G. VCF-style: chr6-73480743-C-G. GRCh37 (hg19) VCF-style: chr6-74190466-C-G.
Other names: c.1198C>G (NM_001123226.1); c.1198C>G, p.Gln400Glu (NM_001123226.2); c.1273C>G, p.Gln425Glu (NM_133645.3); short protein forms Q400E, Q425E.
Identifiers: ClinVar variation 2723131 (VCV002723131.2), dbSNP rs1439467286, ClinGen allele CA364715411.